The following is an entry in ClinVar:

NM_000232.5(SGCB):c.929C>T (p.Ser310Leu)

Gene: SGCB (sarcoglycan beta; minus strand). Cytogenetic location: 4q12.
Variant type: single nucleotide variant.
Coding change: c.929C>T on transcript NM_000232.5 (MANE Select); coding-DNA position 929, C replaced by T.
Protein change: p.Ser310Leu; replaces serine 310 with leucine.
Molecular consequence: missense variant.
Genome position (GRCh38, 1-based): chr4:52,023,985, G>A on the plus strand (C>T on the coding strand, the complement: SGCB is on the minus strand). VCF-style: chr4-52023985-G-A. GRCh37 (hg19) VCF-style: chr4-52890151-G-A.
Other names: short protein forms S310L.
Identifiers: ClinVar variation 1379693 (VCV001379693.3), dbSNP rs779083146, ClinGen allele CA2918245.
Genomic context (GRCh38, chr4:52,023,985, plus strand): 5'-ATATAAACATGTTGGTGACCTCTGGGGTTCTTTTAATGAGTGTTTCCACAGGGGTTGTCT[G>A]AGATTTGGCAGCCCATGTTCTGGCTGGTTACTTGCACCTTGAAGAGCGTCCCATCAGCAC-3'
Protein context (NP_000223.1, residues 300-318): VTSQNMGCQI[Ser310Leu]DNPCGNTH

ClinVar aggregate classification (germline): Uncertain significance (1 of 4 stars; one submission).

Conditions:
Autosomal recessive limb-girdle muscular dystrophy type 2E (LGMDR4). Also called: MUSCULAR DYSTROPHY, LIMB-GIRDLE, AUTOSOMAL RECESSIVE 4. Identifiers: Orphanet 119, MedGen C1858593, MONDO:0011423, OMIM 604286. Disease mechanism: Affects gamma-sarcoglycan and also disrupts the integrity of the entire sarcoglycan complex..

Allele frequency attached by ClinVar (database versions not stated): gnomAD exomes below 0.00001; ExAC 0.00001.
gnomAD v4.1: 1 of 1,614,158 alleles (0.000062%); highest among the groups gnomAD compares: East Asian, 0.0022%; no homozygotes.

Submission:

Labcorp Genetics (formerly Invitae), Labcorp
Classification: Uncertain significance for Autosomal recessive limb-girdle muscular dystrophy type 2E. Last evaluated: 2021-09-04. Review status: criteria provided, single submitter. Criteria: Invitae Variant Classification Sherloc (09022015). Collection method: clinical testing. Allele origin: germline.
Comment: This sequence change replaces serine with leucine at codon 310 of the SGCB protein (p.Ser310Leu). The serine residue is highly conserved and there is a large physicochemical difference between serine and leucine. This variant is present in population databases (rs779083146, ExAC 0.01%). This variant has not been reported in the literature in individuals affected with SGCB-related conditions. Algorithms developed to predict the effect of missense changes on protein structure and function are either unavailable or do not agree on the potential impact of this missense change (SIFT: "Deleterious"; PolyPhen-2: "Benign"; Align-GVGD: "Class C0"). In summary, the available evidence is currently insufficient to determine the role of this variant in disease. Therefore, it has been classified as a Variant of Uncertain Significance.